The following is an entry in ClinVar:

ClinVar aggregate classification (germline): Uncertain significance (1 of 4 stars; one submission).

gnomAD v4.1: 14 of 1,614,038 alleles (0.00087%); highest among the groups gnomAD compares: South Asian, 0.0033%; no homozygotes.

Submission:

Labcorp Genetics (formerly Invitae), Labcorp
Classification: Uncertain significance. Last evaluated: 2025-05-27. Review status: criteria provided, single submitter. Criteria: Invitae Variant Classification Sherloc (09022015). Collection method: clinical testing. Allele origin: germline.
Comment: This sequence change replaces arginine, which is basic and polar, with cysteine, which is neutral and slightly polar, at codon 117 of the SCARB1 protein (p.Arg117Cys). This variant is not present in population databases (gnomAD no frequency). This variant has not been reported in the literature in individuals affected with SCARB1-related conditions. Invitae Evidence Modeling of protein sequence and biophysical properties (such as structural, functional, and spatial information, amino acid conservation, physicochemical variation, residue mobility, and thermodynamic stability) indicates that this missense variant is expected to disrupt SCARB1 protein function with a positive predictive value of 80%. In summary, the available evidence is currently insufficient to determine the role of this variant in disease. Therefore, it has been classified as a Variant of Uncertain Significance.

NM_005505.5(SCARB1):c.349C>T (p.Arg117Cys)

Gene: SCARB1 (scavenger receptor class B member 1; minus strand). Cytogenetic location: 12q24.31.
Variant type: single nucleotide variant.
Coding change: c.349C>T on transcript NM_005505.5 (MANE Select); coding-DNA position 349, C replaced by T.
Protein change: p.Arg117Cys; replaces arginine 117 with cysteine.
Molecular consequence: missense variant. On other transcripts: non-coding transcript variant (9).
Genome position (GRCh38, 1-based): chr12:124,815,050, G>A on the plus strand (C>T on the coding strand, the complement: SCARB1 is on the minus strand). VCF-style: chr12-124815050-G-A. GRCh37 (hg19) VCF-style: chr12-125299596-G-A.
Other names: c.349C>T, p.Arg117Cys (NM_001082959.2, NM_001367981.1, NM_001367983.1 and 6 more transcripts); c.226C>T, p.Arg76Cys (NM_001367982.1); short protein forms R117C, R76C.
Identifiers: ClinVar variation 4703718 (VCV004703718.1).